The following is an entry in ClinVar:

ClinVar aggregate classification (germline): Likely benign (1 of 4 stars; one submission).

Allele frequency attached by ClinVar (database versions not stated): gnomAD 0.00922 and 0.00994; 1000 Genomes Project 30x 0.00968; 1000 Genomes Project 0.00998; TOPMed 0.01052.
gnomAD v4.1: 2,280 of 1,059,138 alleles (0.22%); highest among the groups gnomAD compares: African/African-American, 3.2%; 33 homozygotes.

Submission:

GeneDx
Classification: Likely benign. Last evaluated: 2018-06-16. Review status: criteria provided, single submitter. Criteria: GeneDx Variant Classification (06012015). Collection method: clinical testing. Allele origin: germline. Affected: yes.
Comment: This variant is considered likely benign or benign based on one or more of the following criteria: it is a conservative change, it occurs at a poorly conserved position in the protein, it is predicted to be benign by multiple in silico algorithms, and/or has population frequency not consistent with disease.

NM_001458.5(FLNC):c.353-144G>A

Gene: FLNC (filamin C; plus strand). Cytogenetic location: 7q32.1.
Variant type: single nucleotide variant.
Coding change: c.353-144G>A on transcript NM_001458.5 (MANE Select); 144 bases into the intron before coding-DNA position 353, G replaced by A.
Molecular consequence: intron variant.
Genome position (GRCh38, 1-based): chr7:128,835,182, G>A. VCF-style: chr7-128835182-G-A. GRCh37 (hg19) VCF-style: chr7-128475236-G-A.
Other names: c.353-144G>A (NM_001127487.2).
Identifiers: ClinVar variation 679403 (VCV000679403.1), dbSNP rs138755199, ClinGen allele CA166212621.